The following is an entry in ClinVar:

ClinVar aggregate classification (germline): Uncertain significance. Review status: criteria provided, multiple submitters, no conflicts (2 of 4 stars). 2 submissions from 2 submitters: Uncertain significance (2). Last evaluated 2025-12-01.

Conditions:
Inborn genetic diseases. Identifiers: MedGen C0950123, MeSH D030342.
Aicardi-Goutieres syndrome 6 (AGS6). Identifiers: Orphanet 51, MedGen C3539013, MONDO:0014007, OMIM 615010.
Symmetrical dyschromatosis of extremities (DSH). Also called: DYSCHROMATOSIS SYMMETRICA HEREDITARIA 1; RETICULATE ACROPIGMENTATION OF DOHI; SYMMETRIC DYSCHROMATOSIS OF THE EXTREMITIES; Dyschromatosis symmetrica hereditaria. Identifiers: Orphanet 41, MedGen C0406775, MONDO:0007483, OMIM 127400.

Allele frequency attached by ClinVar (database versions not stated): gnomAD 0.00004 and 0.00003; gnomAD exomes below 0.00001; TOPMed 0.00006.
gnomAD v4.1: 5 of 1,614,074 alleles (0.00031%); highest among the groups gnomAD compares: African/African-American, 0.0067%; no homozygotes.

Submissions (2):

Labcorp Genetics (formerly Invitae), Labcorp
Classification: Uncertain significance for Aicardi-Goutieres syndrome 6; Symmetrical dyschromatosis of extremities. Last evaluated: 2025-12-01. Review status: criteria provided, single submitter. Criteria: Invitae Variant Classification Sherloc (09022015). Collection method: clinical testing. Allele origin: germline.
Comment: This sequence change replaces glutamic acid, which is acidic and polar, with alanine, which is neutral and non-polar, at codon 520 of the ADAR protein (p.Glu520Ala). The frequency data for this variant in the population databases is considered unreliable, as metrics indicate poor data quality at this position in the gnomAD database. This variant has not been reported in the literature in individuals affected with ADAR-related conditions. ClinVar contains an entry for this variant (Variation ID: 1485020). Invitae Evidence Modeling of protein sequence and biophysical properties (such as structural, functional, and spatial information, amino acid conservation, physicochemical variation, residue mobility, and thermodynamic stability) indicates that this missense variant is not expected to disrupt ADAR protein function with a negative predictive value of 80%. In summary, the available evidence is currently insufficient to determine the role of this variant in disease. Therefore, it has been classified as a Variant of Uncertain Significance.

Ambry Genetics
Classification: Uncertain significance for Inborn genetic diseases. Last evaluated: 2025-08-27. Review status: criteria provided, single submitter. Criteria: Ambry Variant Classification Scheme 2023. Collection method: clinical testing. Allele origin: germline.

NM_001111.5(ADAR):c.1559A>C (p.Glu520Ala)

Gene: ADAR (adenosine deaminase RNA specific; minus strand). Cytogenetic location: 1q21.3.
Variant type: single nucleotide variant.
Coding change: c.1559A>C on transcript NM_001111.5 (MANE Select); coding-DNA position 1559, A replaced by C.
Protein change: p.Glu520Ala; replaces glutamic acid 520 with alanine.
Molecular consequence: missense variant.
Genome position (GRCh38, 1-based): chr1:154,601,083, T>G on the plus strand (A>C on the coding strand, the complement: ADAR is on the minus strand). VCF-style: chr1-154601083-T-G. GRCh37 (hg19) VCF-style: chr1-154573559-T-G.
Other names: c.1559A>C (NM_001111.4); c.674A>C, p.Glu225Ala (NM_001025107.3, NM_001193495.2, NM_001365046.1 and 3 more transcripts); c.1586A>C, p.Glu529Ala (NM_001365045.1); c.1559A>C, p.Glu520Ala (NM_015840.4, NM_015841.4); short protein forms E529A, E225A, E520A.
Identifiers: ClinVar variation 1485020 (VCV001485020.7), dbSNP rs916828871, ClinGen allele CA30809711.
Genomic context (GRCh38, chr1:154,601,083, plus strand): 5'-TCCTGGGTGGTCTCTTACCGAGGTTCATGGGGTGGTCCACTCTGCTCTATCATGTTGAAC[T>G]CACAGGTTTGACTAGCGAACTGGGCATATTCTAACAGCCCGCTGATGGGGTTCTTCAGCT-3'
Protein context (NP_001102.3, residues 510-530): EYAQFASQTC[Glu520Ala]FNMIEQSGPP